The following is an entry in ClinVar:

NM_001252024.2(TRPM1):c.2308G>A (p.Gly770Ser)

Gene: TRPM1 (transient receptor potential cation channel subfamily M member 1; minus strand). Cytogenetic location: 15q13.3.
Variant type: single nucleotide variant.
Coding change: c.2308G>A on transcript NM_001252024.2 (MANE Select); coding-DNA position 2308, G replaced by A.
Protein change: p.Gly770Ser; replaces glycine 770 with serine.
Molecular consequence: missense variant.
Genome position (GRCh38, 1-based): chr15:31,040,126, C>T on the plus strand (G>A on the coding strand, the complement: TRPM1 is on the minus strand). VCF-style: chr15-31040126-C-T. GRCh37 (hg19) VCF-style: chr15-31332329-C-T.
Other names: c.2359G>A, p.Gly787Ser (NM_001252020.2); c.2242G>A, p.Gly748Ser (NM_002420.6); c.2242G>A (NM_002420.4); short protein forms G748S, G770S, G787S.
Identifiers: ClinVar variation 315514 (VCV000315514.10), dbSNP rs746594891, ClinGen allele CA7452267.
Genomic context (GRCh38, chr15:31,040,126, plus strand): 5'-AGAGTCACTTGTCACTGTCACCCTGGCCCGCCTCGCAGCACGTTGCACGCACCTTCAGGC[C>T]GGGGTTCTTCCGCATCCGCAGTCTTCCCATCCACATATCGGTCAGCAGCATCTGGCTGCA-3'
Protein context (NP_001238953.1, residues 760-780): MGRLRMRKNP[Gly770Ser]LKVIMGILLP

ClinVar aggregate classification (germline): Uncertain significance. Review status: criteria provided, multiple submitters, no conflicts (2 of 4 stars). 4 submissions from 4 submitters: Uncertain significance (4). Last evaluated 2024-08-22.

Conditions:
Congenital stationary night blindness 1C. Also called: Night blindness, congenital stationary (complete), 1C, autosomal recessive. Identifiers: Orphanet 215, MedGen C2750747, MONDO:0013183, OMIM 613216.
Inborn genetic diseases. Identifiers: MedGen C0950123, MeSH D030342.

Allele frequency attached by ClinVar (database versions not stated): gnomAD 0.00001; gnomAD exomes 0.00001 and 0.00002; TOPMed 0.00001; ExAC 0.00002.
gnomAD v4.1: 22 of 1,614,044 alleles (0.0014%); highest among the groups gnomAD compares: Middle Eastern, 0.049%; no homozygotes.

Submissions (4):

Blueprint Genetics
Classification: Uncertain significance. Last evaluated: 2024-08-22. Review status: criteria provided, single submitter. Criteria: ACMG Guidelines, 2015. Collection method: clinical testing. Allele origin: germline.

Labcorp Genetics (formerly Invitae), Labcorp
Classification: Uncertain significance. Last evaluated: 2022-09-27. Review status: criteria provided, single submitter. Criteria: Invitae Variant Classification Sherloc (09022015). Collection method: clinical testing. Allele origin: germline.
Comment: This sequence change replaces glycine, which is neutral and non-polar, with serine, which is neutral and polar, at codon 748 of the TRPM1 protein (p.Gly748Ser). The frequency data for this variant in the population databases is considered unreliable, as metrics indicate poor data quality at this position in the gnomAD database. This variant has not been reported in the literature in individuals affected with TRPM1-related conditions. ClinVar contains an entry for this variant (Variation ID: 315514). Advanced modeling of protein sequence and biophysical properties (such as structural, functional, and spatial information, amino acid conservation, physicochemical variation, residue mobility, and thermodynamic stability) performed at Invitae indicates that this missense variant is not expected to disrupt TRPM1 protein function. In summary, the available evidence is currently insufficient to determine the role of this variant in disease. Therefore, it has been classified as a Variant of Uncertain Significance.

Ambry Genetics
Classification: Uncertain significance for Inborn genetic diseases. Last evaluated: 2021-07-13. Review status: criteria provided, single submitter. Criteria: Ambry Variant Classification Scheme 2023. Collection method: clinical testing. Allele origin: germline.

Illumina Laboratory Services, Illumina
Classification: Uncertain significance for Congenital stationary night blindness 1C. Last evaluated: 2018-01-13. Review status: criteria provided, single submitter. Criteria: ICSL Variant Classification Criteria 13 December 2019. Collection method: clinical testing. Allele origin: germline.